The following is an entry in ClinVar:

ClinVar aggregate classification (germline): Uncertain significance (1 of 4 stars; one submission).

Conditions:
Menkes kinky-hair syndrome (MNK). Also called: Copper transport disease; Menkes Disease; Classic Menkes Disease. Identifiers: Orphanet 565, MedGen C0022716, MONDO:0010651, OMIM 309400.
Cutis laxa, X-linked (OHS). Also called: EDS IX; Occipital horn syndrome. Identifiers: Orphanet 198, MedGen C0268353, MONDO:0010572, OMIM 304150.
X-linked distal spinal muscular atrophy type 3. Also called: NEURONOPATHY, DISTAL HEREDITARY MOTOR, X-LINKED; NEUROPATHY, DISTAL HEREDITARY MOTOR, X-LINKED; ATP7A-Related Distal Motor Neuropathy; SPINAL MUSCULAR ATROPHY, DISTAL, X-LINKED RECESSIVE. Identifiers: Orphanet 139557, MedGen C1845359, MONDO:0010338, OMIM 300489.

Submission:

Labcorp Genetics (formerly Invitae), Labcorp
Classification: Uncertain significance for X-linked distal spinal muscular atrophy type 3; Cutis laxa, X-linked; Menkes kinky-hair syndrome. Last evaluated: 2024-08-06. Review status: criteria provided, single submitter. Criteria: Invitae Variant Classification Sherloc (09022015). Collection method: clinical testing. Allele origin: germline.
Comment: This sequence change replaces valine, which is neutral and non-polar, with glycine, which is neutral and non-polar, at codon 521 of the ATP7A protein (p.Val521Gly). This variant is not present in population databases (gnomAD no frequency). This variant has not been reported in the literature in individuals affected with ATP7A-related conditions. Advanced modeling of protein sequence and biophysical properties (such as structural, functional, and spatial information, amino acid conservation, physicochemical variation, residue mobility, and thermodynamic stability) has been performed at Invitae for this missense variant, however the output from this modeling did not meet the statistical confidence thresholds required to predict the impact of this variant on ATP7A protein function. In summary, the available evidence is currently insufficient to determine the role of this variant in disease. Therefore, it has been classified as a Variant of Uncertain Significance.

NM_000052.7(ATP7A):c.1562T>G (p.Val521Gly)

Gene: ATP7A (ATPase copper transporting alpha; plus strand). Cytogenetic location: Xq21.1.
Variant type: single nucleotide variant.
Coding change: c.1562T>G on transcript NM_000052.7 (MANE Select); coding-DNA position 1562, T replaced by G.
Protein change: p.Val521Gly; replaces valine 521 with glycine.
Molecular consequence: missense variant.
Genome position (GRCh38, 1-based): chrX:78,003,091, T>G. VCF-style: chrX-78003091-T-G. GRCh37 (hg19) VCF-style: chrX-77258588-T-G.
Other names: c.1562T>G, p.Val521Gly (NM_001282224.2); short protein forms V521G.
Identifiers: ClinVar variation 3762482 (VCV003762482.2).